The following is an entry in ClinVar:

ClinVar aggregate classification (germline): Uncertain significance. Review status: criteria provided, multiple submitters, no conflicts (2 of 4 stars). 3 submissions from 3 submitters: Uncertain significance (3). Last evaluated 2025-06-17.

Conditions:
Frasier syndrome. Identifiers: Orphanet 347, MedGen C0950122, MeSH D052159, MONDO:0007635, OMIM 136680.
Drash syndrome (DDS). Also called: WILMS TUMOR AND PSEUDO- OR TRUE HERMAPHRODITISM; NEPHROPATHY, WILMS TUMOR, AND GENITAL ANOMALIES. Identifiers: Orphanet 220, MedGen C0950121, MONDO:0008682, OMIM 194080.
Wilms tumor 1 (WT1). Also called: Wilms tumor, somatic. Identifiers: Orphanet 654, MedGen CN033288, MONDO:0008679, OMIM 194070.
11p partial monosomy syndrome (WAGR). Also called: WAGR Complex; WAGR Spectrum Disorder; WAGR syndrome; CHROMOSOME 11p13 DELETION SYNDROME. Identifiers: Orphanet 893, MedGen C0206115, MONDO:0008681, OMIM 194072.
Inborn genetic diseases. Identifiers: MedGen C0950123, MeSH D030342.

Allele frequency attached by ClinVar (database versions not stated): gnomAD 0.00001.

Submissions (3):

St. Jude Molecular Pathology, St. Jude Children's Research Hospital
Classification: Uncertain significance for Wilms tumor 1. Last evaluated: 2025-06-17. Review status: criteria provided, single submitter. Criteria: St. Jude Assertion Criteria 2020. Collection method: clinical testing. Allele origin: germline.
Comment: The WT1 c.1037C>A p.(Thr346Lys) missense change is absent in gnomAD v2.1.1. The in silico tool REVEL predicts a deleterious effect on protein function, but to our knowledge this prediction has not been confirmed by functional studies. To our knowledge, this variant has not been reported in individuals with WT1-related conditions. In summary, the evidence currently available is insufficient to determine the clinical significance of this variant. It has therefore been classified as of uncertain significance.

Ambry Genetics
Classification: Uncertain significance for Inborn genetic diseases. Last evaluated: 2025-01-20. Review status: criteria provided, single submitter. Criteria: Ambry Variant Classification Scheme 2023. Collection method: clinical testing. Allele origin: germline.
Comment: The p.T358K variant (also known as c.1073C>A), located in coding exon 6 of the WT1 gene, results from a C to A substitution at nucleotide position 1073. The threonine at codon 358 is replaced by lysine, an amino acid with similar properties. This amino acid position is conserved. In addition, this alteration is predicted to be deleterious by in silico analysis. Based on the available evidence, the clinical significance of this variant remains unclear.

Labcorp Genetics (formerly Invitae), Labcorp
Classification: Uncertain significance for Wilms tumor 1; Drash syndrome; 11p partial monosomy syndrome; Frasier syndrome. Last evaluated: 2022-04-11. Review status: criteria provided, single submitter. Criteria: Invitae Variant Classification Sherloc (09022015). Collection method: clinical testing. Allele origin: germline.
Comment: In summary, the available evidence is currently insufficient to determine the role of this variant in disease. Therefore, it has been classified as a Variant of Uncertain Significance. Algorithms developed to predict the effect of missense changes on protein structure and function (SIFT, PolyPhen-2, Align-GVGD) all suggest that this variant is likely to be disruptive. This variant has not been reported in the literature in individuals affected with WT1-related conditions. This variant is not present in population databases (gnomAD no frequency). This sequence change replaces threonine, which is neutral and polar, with lysine, which is basic and polar, at codon 358 of the WT1 protein (p.Thr358Lys).

NM_024426.6(WT1):c.1088C>A (p.Thr363Lys)

Gene: WT1 (WT1 transcription factor; minus strand). Cytogenetic location: 11p13.
Variant type: single nucleotide variant.
Coding change: c.1088C>A on transcript NM_024426.6 (MANE Select); coding-DNA position 1088, C replaced by A.
Protein change: p.Thr363Lys; replaces threonine 363 with lysine.
Molecular consequence: missense variant. On other transcripts: 5 prime UTR variant (1), non-coding transcript variant (1).
Genome position (GRCh38, 1-based): chr11:32,399,973, G>T on the plus strand (C>A on the coding strand, the complement: WT1 is on the minus strand). VCF-style: chr11-32399973-G-T. GRCh37 (hg19) VCF-style: chr11-32421519-G-T.
Other names: c.386C>A, p.Thr129Lys (NM_001198552.2); c.-101C>A (NM_001367854.1); c.1082C>A, p.Thr361Lys (NM_001407044.1); c.1037C>A, p.Thr346Lys (NM_001407045.1, NM_001407048.1, NM_001407049.1 and 1 more transcripts); c.1088C>A, p.Thr363Lys (NM_001407046.1, NM_024424.5); c.965C>A, p.Thr322Lys (NM_001407047.1); c.914C>A, p.Thr305Lys (NM_001407050.1); c.326C>A, p.Thr109Lys (NM_001407051.1); and 3 more; short protein forms T341K, T346K, T361K, T358K, T363K, T109K, T129K, T146K.
Identifiers: ClinVar variation 2198355 (VCV002198355.7), dbSNP rs1852098454, ClinGen allele CA379960307.